The following is an entry in ClinVar:

NM_014847.4(UBAP2L):c.2558dup (p.Ala854fs)

Gene: UBAP2L (ubiquitin associated protein 2 like; plus strand). Cytogenetic location: 1q21.3.
Variant type: Duplication.
Coding change: c.2558dup on transcript NM_014847.4 (MANE Select); coding-DNA position 2558, one base duplicated (T; older notation c.2558dupT).
Protein change: p.Ala854fs; shifts the reading frame from alanine 854.
Molecular consequence: frameshift variant.
Genome position (GRCh38, 1-based): chr1:154,260,009, T duplicated. VCF-style (leftmost placement, unchanged base first): chr1-154260008-C-CT. GRCh37 (hg19) VCF-style: chr1-154232484-C-CT.
Other names: c.2558dup, p.Ala854fs (NM_001127320.3, NM_001375614.1, NM_001375615.1 and 14 more transcripts); c.2537dup, p.Ala847fs (NM_001287815.1); c.2591dup, p.Ala865fs (NM_001287816.1, NM_001330730.1, NM_001375612.1 and 2 more transcripts); short protein forms A854fs, A865fs, A847fs.
Identifiers: ClinVar variation 4601184 (VCV004601184.1).

ClinVar aggregate classification (germline): Pathogenic (1 of 4 stars; one submission).

Submission:

Ambry Genetics
Classification: Pathogenic. Last evaluated: 2025-11-24. Review status: criteria provided, single submitter. Criteria: Ambry Variant Classification Scheme 2023. Collection method: clinical testing. Allele origin: germline.
Comment: The c.2558dupT (p.A854Gfs*8) alteration, located in exon 22 (coding exon 21) of the UBAP2L gene, consists of a duplication of T at position 2558, causing a translational frameshift with a predicted alternate stop codon after 8 amino acids. This alteration is expected to result in loss of function by premature protein truncation or nonsense-mediated mRNA decay. This variant was not reported in population-based cohorts in the Genome Aggregation Database (gnomAD). Based on the available evidence, this alteration is classified as pathogenic.